The following is an entry in ClinVar:

NM_015466.4(PTPN23):c.2627C>T (p.Ala876Val)

Gene: PTPN23 (protein tyrosine phosphatase non-receptor type 23; plus strand). Cytogenetic location: 3p21.31.
Variant type: single nucleotide variant.
Coding change: c.2627C>T on transcript NM_015466.4 (MANE Select); coding-DNA position 2627, C replaced by T.
Protein change: p.Ala876Val; replaces alanine 876 with valine.
Molecular consequence: missense variant.
Genome position (GRCh38, 1-based): chr3:47,410,425, C>T. VCF-style: chr3-47410425-C-T. GRCh37 (hg19) VCF-style: chr3-47451915-C-T.
Other names: c.2249C>T, p.Ala750Val (NM_001304482.2); short protein forms A750V, A876V.
Identifiers: ClinVar variation 1499749 (VCV001499749.5), dbSNP rs147851505, ClinGen allele CA2366088.

ClinVar aggregate classification (germline): Uncertain significance (1 of 4 stars; one submission).

Allele frequency attached by ClinVar (database versions not stated): gnomAD 0.00006 and 0.00009; TOPMed 0.00006; gnomAD exomes 0.00012 and 0.00015; ExAC 0.00014; ESP Exome Variant Server 0.00015.

Submissions (2):

Labcorp Genetics (formerly Invitae), Labcorp
Classification: Uncertain significance. Last evaluated: 2023-12-06. Review status: criteria provided, single submitter. Criteria: Invitae Variant Classification Sherloc (09022015). Collection method: clinical testing. Allele origin: germline.
Comment: This sequence change replaces alanine, which is neutral and non-polar, with valine, which is neutral and non-polar, at codon 876 of the PTPN23 protein (p.Ala876Val). This variant is present in population databases (rs147851505, gnomAD 0.06%). This variant has not been reported in the literature in individuals affected with PTPN23-related conditions. ClinVar contains an entry for this variant (Variation ID: 1499749). Algorithms developed to predict the effect of missense changes on protein structure and function output the following: SIFT: "Not Available"; PolyPhen-2: "Not Available"; Align-GVGD: "Not Available". The valine amino acid residue is found in multiple mammalian species, which suggests that this missense change does not adversely affect protein function. In summary, the available evidence is currently insufficient to determine the role of this variant in disease. Therefore, it has been classified as a Variant of Uncertain Significance.

Dr. Peter K. Rogan Lab, Western University
No classification provided (evidence only). Condition: Thyroid cancer, nonmedullary, 1. Review status: no classification provided. Collection method: in vitro. Allele origin: not applicable. Functional consequence: retained intron. Not counted in ClinVar's aggregate classification.